The following is an entry in ClinVar:

NM_001130823.3(DNMT1):c.*18C>A

Gene: DNMT1 (DNA methyltransferase 1; minus strand). Cytogenetic location: 19p13.2.
Variant type: single nucleotide variant.
Coding change: c.*18C>A on transcript NM_001130823.3 (MANE Select); 18 bases downstream of the stop codon, C replaced by A.
Molecular consequence: 3 prime UTR variant.
Genome position (GRCh38, 1-based): chr19:10,133,649, G>T on the plus strand (C>A on the coding strand, the complement: DNMT1 is on the minus strand). VCF-style: chr19-10133649-G-T. GRCh37 (hg19) VCF-style: chr19-10244325-G-T.
Other names: c.*18C>A (LRG_362t1, NM_001318730.2, NM_001318731.2 and 1 more transcripts).
Identifiers: ClinVar variation 327885 (VCV000327885.5), dbSNP rs778467461, ClinGen allele CA9187351.

ClinVar aggregate classification (germline): Likely benign (1 of 4 stars; one submission).

Conditions:
Hereditary sensory neuropathy-deafness-dementia syndrome. Also called: Hereditary sensory neuropathy type IE; Hereditary Sensory and Autonomic Neuropathy Type 1E (HSAN1E); HSN IE; NEUROPATHY, HEREDITARY SENSORY, WITH HEARING LOSS AND DEMENTIA. Identifiers: Orphanet 456318, MedGen C3279885, MONDO:0013584, OMIM 614116.

Allele frequency attached by ClinVar (database versions not stated): TOPMed 0.00001; ExAC 0.00004.
gnomAD v4.1: 6 of 1,596,574 alleles (0.00038%); highest among the groups gnomAD compares: African/African-American, 0.0013%; no homozygotes.

Submission:

Illumina Laboratory Services, Illumina
Classification: Likely benign for Hereditary sensory neuropathy-deafness-dementia syndrome. Last evaluated: 2018-01-13. Review status: criteria provided, single submitter. Criteria: ICSL Variant Classification Criteria 13 December 2019. Collection method: clinical testing. Allele origin: germline.
Comment: This variant was observed in the ICSL laboratory as part of a predisposition screen in an ostensibly healthy population. It had not been previously curated by ICSL or reported in the Human Gene Mutation Database (HGMD: prior to June 1st, 2018), and was therefore a candidate for classification through an automated scoring system. Utilizing variant allele frequency, disease prevalence and penetrance estimates, and inheritance mode, an automated score was calculated to assess if this variant is too frequent to cause the disease. Based on the score and internal cut-off values, a variant classified as likely benign is not then subjected to further curation. The score for this variant resulted in a classification of likely benign for this disease.